The following is an entry in ClinVar:

ClinVar aggregate classification (germline): Uncertain significance. Review status: criteria provided, multiple submitters, no conflicts (2 of 4 stars). 2 submissions from 2 submitters: Uncertain significance (2). Last evaluated 2024-09-23.

Conditions:
Glycine encephalopathy. Also called: Nonketotic hyperglycinemia; Non-ketotic hyperglycinemia. Identifiers: Orphanet 407, MedGen C0751748, MONDO:0011612, HP:0008288.

Submissions (2):

GeneDx
Classification: Uncertain significance. Last evaluated: 2024-09-23. Review status: criteria provided, single submitter. Criteria: GeneDx Variant Classification Process June 2021. Collection method: clinical testing. Allele origin: germline. Affected: yes.
Comment: Not observed at significant frequency in large population cohorts (gnomAD); In silico analysis indicates that this missense variant does not alter protein structure/function; Has not been previously published as pathogenic or benign to our knowledge

Labcorp Genetics (formerly Invitae), Labcorp
Classification: Uncertain significance for Glycine encephalopathy. Last evaluated: 2022-03-20. Review status: criteria provided, single submitter. Criteria: Invitae Variant Classification Sherloc (09022015). Collection method: clinical testing. Allele origin: germline.
Comment: This sequence change replaces serine, which is neutral and polar, with tyrosine, which is neutral and polar, at codon 3 of the GLDC protein (p.Ser3Tyr). This variant is present in population databases (no rsID available, gnomAD 0.06%). This variant has not been reported in the literature in individuals affected with GLDC-related conditions. Advanced modeling of protein sequence and biophysical properties (such as structural, functional, and spatial information, amino acid conservation, physicochemical variation, residue mobility, and thermodynamic stability) performed at Invitae indicates that this missense variant is not expected to disrupt GLDC protein function. In summary, the available evidence is currently insufficient to determine the role of this variant in disease. Therefore, it has been classified as a Variant of Uncertain Significance.

NM_000170.3(GLDC):c.8C>A (p.Ser3Tyr)

Gene: GLDC (glycine decarboxylase; minus strand). Cytogenetic location: 9p24.1.
Variant type: single nucleotide variant.
Coding change: c.8C>A on transcript NM_000170.3 (MANE Select); coding-DNA position 8, C replaced by A.
Protein change: p.Ser3Tyr; replaces serine 3 with tyrosine.
Molecular consequence: missense variant.
Genome position (GRCh38, 1-based): chr9:6,645,492, G>T on the plus strand (C>A on the coding strand, the complement: GLDC is on the minus strand). VCF-style: chr9-6645492-G-T. GRCh37 (hg19) VCF-style: chr9-6645492-G-T.
Other names: short protein forms S3Y.
Identifiers: ClinVar variation 2200337 (VCV002200337.3), dbSNP rs1416204890, ClinGen allele CA372887666.